The following is an entry in ClinVar:

NM_001242896.3(DEPDC5):c.1253G>T (p.Ser418Ile)

Gene: DEPDC5 (DEP domain containing 5, GATOR1 subcomplex subunit; plus strand). Cytogenetic location: 22q12.3.
Variant type: single nucleotide variant.
Coding change: c.1253G>T on transcript NM_001242896.3 (MANE Select); coding-DNA position 1253, G replaced by T.
Protein change: p.Ser418Ile; replaces serine 418 with isoleucine.
Molecular consequence: missense variant. On other transcripts: non-coding transcript variant (5).
Genome position (GRCh38, 1-based): chr22:31,806,157, G>T. VCF-style: chr22-31806157-G-T. GRCh37 (hg19) VCF-style: chr22-32202143-G-T.
Other names: c.1253G>T, p.Ser418Ile (NM_001007188.4, NM_001136029.4, NM_001242897.2 and 7 more transcripts); c.1169G>T, p.Ser390Ile (NM_001369901.1, NM_001369902.1); short protein forms S390I, S418I.
Identifiers: ClinVar variation 853998 (VCV000853998.11), dbSNP rs2087510561, ClinGen allele CA411276398.
Genomic context (GRCh38, chr22:31,806,157, plus strand): 5'-ATGACTCTGTTTGTTTCTTTTACAGTTTCTACACATCCAAAAGCCAGCTCTTTTGTAATA[G>T]TTTCACCCCACGAATAAAACTGGCAGGAAAGAAGGTAGGTTTTTATTTTTGTTAAGACGG-3'
Protein context (NP_001229825.1, residues 408-428): YTSKSQLFCN[Ser418Ile]FTPRIKLAGK

ClinVar aggregate classification (germline): Uncertain significance (1 of 4 stars; one submission).

Conditions:
Familial focal epilepsy with variable foci (FPEVF). Identifiers: Orphanet 98820, MedGen C1858477, MONDO:0020310.

Submission:

Labcorp Genetics (formerly Invitae), Labcorp
Classification: Uncertain significance for Familial focal epilepsy with variable foci. Last evaluated: 2019-12-11. Review status: criteria provided, single submitter. Criteria: Invitae Variant Classification Sherloc (09022015). Collection method: clinical testing. Allele origin: germline.
Comment: In summary, the available evidence is currently insufficient to determine the role of this variant in disease. Therefore, it has been classified as a Variant of Uncertain Significance. Algorithms developed to predict the effect of missense changes on protein structure and function are either unavailable or do not agree on the potential impact of this missense change (SIFT: "Deleterious"; PolyPhen-2: "Not Available"; Align-GVGD: "Class C0"). This variant has not been reported in the literature in individuals with DEPDC5-related conditions. This variant is not present in population databases (ExAC no frequency). This sequence change replaces serine with isoleucine at codon 418 of the DEPDC5 protein (p.Ser418Ile). The serine residue is highly conserved and there is a large physicochemical difference between serine and isoleucine.